The following is an entry in ClinVar:

NM_022051.2(EGLN1):c.-2419G>C

Gene: EGLN1 (egl-9 family hypoxia inducible factor 1; minus strand). Cytogenetic location: 1q42.2.
Variant type: single nucleotide variant.
Coding change: c.-2419G>C on transcript NM_022051.2; 2419 bases upstream of the start codon, G replaced by C.
Genome position (GRCh38, 1-based): chr1:231,424,307, C>G on the plus strand (G>C on the coding strand, the complement: EGLN1 is on the minus strand). VCF-style: chr1-231424307-C-G. GRCh37 (hg19) VCF-style: chr1-231560053-C-G.
Identifiers: ClinVar variation 296235 (VCV000296235.7), dbSNP rs188721782, ClinGen allele CA10610385.

ClinVar aggregate classification (germline): Benign (1 of 4 stars; one submission).

Conditions:
Erythrocytosis, familial, 3 (ECYT3). Identifiers: Orphanet 247511, MedGen C1853286, MONDO:0012353, OMIM 609820.

Allele frequency attached by ClinVar (database versions not stated): gnomAD 0.00168 and 0.00173; 1000 Genomes Project 0.00080; 1000 Genomes Project 30x 0.00094; TOPMed 0.00179.

Submission:

Illumina Laboratory Services, Illumina
Classification: Benign for Erythrocytosis, familial, 3. Last evaluated: 2018-01-12. Review status: criteria provided, single submitter. Criteria: ICSL Variant Classification Criteria 13 December 2019. Collection method: clinical testing. Allele origin: germline.
Comment: This variant was observed in the ICSL laboratory as part of a predisposition screen in an ostensibly healthy population. It had not been previously curated by ICSL or reported in the Human Gene Mutation Database (HGMD: prior to June 1st, 2018), and was therefore a candidate for classification through an automated scoring system. Utilizing variant allele frequency, disease prevalence and penetrance estimates, and inheritance mode, an automated score was calculated to assess if this variant is too frequent to cause the disease. Based on the score and internal cut-off values, a variant classified as benign is not then subjected to further curation. The score for this variant resulted in a classification of benign for this disease.